The following is an entry in ClinVar:

ClinVar aggregate classification (germline): Pathogenic (1 of 4 stars; one submission).

Submission:

ISCA site 4
Classification: Pathogenic. Last evaluated: 2011-08-12. Review status: criteria provided, single submitter. Criteria: Kaminsky et al. (Genet Med. 2011). Collection method: clinical testing. Allele origin: unknown. Affected: yes. Observed: 1 variant allele.
Comment: Copy number variation identified through the course of routine clinical cytogenomic testing in postnatal populations. Clinical assertions have been curated as described in Kaminsky et al. 2011.

GRCh38/hg38 22q11.1-11.21(chr22:16916608-20324240)x3

Genes: ADA2 (adenosine deaminase 2; minus strand), ARVCF (ARVCF delta catenin family member; minus strand), ATP6V1E1 (ATPase H+ transporting V1 subunit E1; minus strand), BCL2L13 (BCL2 like 13; plus strand), BID (BH3 interacting domain death agonist; minus strand) and 225 more. Cytogenetic location: 22q11.1-11.21.
Variant type: copy number gain.
Change: copy number 3 (three copies instead of two) of chr22:16,916,608-20,324,240 (3.41 Mb, GRCh38 coordinates, 1-based), cytogenetic band 22q11.1-11.21.
Identifiers: ClinVar variation 57202 (VCV000057202.1).